The following is an entry in ClinVar:

ClinVar aggregate classification (germline): Conflicting classifications of pathogenicity. Review status: criteria provided, conflicting classifications (1 of 4 stars). 14 submissions from 14 submitters: Uncertain significance (11); Likely benign (1). 2 of the submissions do not count toward it. Last evaluated 2026-08-02.

Conditions:
Classic or attenuated familial adenomatous polyposis. Identifiers: MedGen CN372698, MONDO:0021057.
APC-related disorder. Also called: APC-related condition.
APC-Associated Polyposis Disorders.
Hereditary cancer-predisposing syndrome. Also called: Tumor predisposition; Hereditary neoplastic syndrome; Hereditary Cancer Syndrome; Neoplastic Syndromes, Hereditary. Identifiers: Orphanet 140162, MedGen C0027672, MeSH D009386, MONDO:0015356.
Familial adenomatous polyposis 1 (FAP1). Also called: POLYPOSIS, ADENOMATOUS INTESTINAL; FAMILIAL ADENOMATOUS POLYPOSIS 1, ATTENUATED. Identifiers: MedGen C2713442, MONDO:0021056, OMIM 175100. Disease mechanism: loss of function.

Allele frequency attached by ClinVar (database versions not stated): TOPMed 0.00003; ExAC 0.00004; gnomAD exomes 0.00004; gnomAD 0.00005.

Submissions (14):

PreventionGenetics, part of Exact Sciences
Classification: Uncertain significance for APC-related condition. Last evaluated: 2026-08-02. Review status: criteria provided, single submitter. Criteria: ACMG Guidelines, 2015. Collection method: clinical testing. Allele origin: germline.
Comment: The APC c.5879C>T variant is predicted to result in the amino acid substitution p.Pro1960Leu. This variant has been reported in an individual with sigmoid colorectal cancer (eTable 2, Patient #400625, Pearlman et al. 2017. PubMed ID: 27978560) and has also been reported with uncertain significance in a study of germline variant testing of individuals with colorectal cancer (Table A4, Yurgelun et al. 2017. PubMed ID: 28135145). This variant is reported in 0.0070% of alleles in individuals of European (Non-Finnish) descent in gnomAD and is reported as a variant of uncertain significance by the majority of submitters in ClinVar (Variation ID: 141168). At this time, the clinical significance of this variant is uncertain due to the absence of conclusive functional and genetic evidence.

Labcorp Genetics (formerly Invitae), Labcorp
Classification: Uncertain significance for Familial adenomatous polyposis 1. Last evaluated: 2025-09-19. Review status: criteria provided, single submitter. Criteria: Invitae Variant Classification Sherloc (09022015). Collection method: clinical testing. Allele origin: germline.
Comment: This sequence change replaces proline, which is neutral and non-polar, with leucine, which is neutral and non-polar, at codon 1960 of the APC protein (p.Pro1960Leu). This variant is present in population databases (rs587781546, gnomAD 0.007%). This missense change has been observed in individual(s) with colorectal cancer (PMID: 27978560, 28135145). ClinVar contains an entry for this variant (Variation ID: 141168). Invitae Evidence Modeling of protein sequence and biophysical properties (such as structural, functional, and spatial information, amino acid conservation, physicochemical variation, residue mobility, and thermodynamic stability) indicates that this missense variant is not expected to disrupt APC protein function with a negative predictive value of 95%. In summary, the available evidence is currently insufficient to determine the role of this variant in disease. Therefore, it has been classified as a Variant of Uncertain Significance.

Quest Diagnostics Nichols Institute San Juan Capistrano
Classification: Uncertain significance. Last evaluated: 2025-03-24. Review status: criteria provided, single submitter. Criteria: Quest Diagnostics criteria. Collection method: clinical testing. Allele origin: unknown.
Comment: The APC c.5879C>T (p.Pro1960Leu) variant has been reported in the published literature in individuals with colorectal cancer (PMIDs: 27978560 (2016), 28135145 (2017)). The frequency of this variant in the general population (Genome Aggregation Database) is higher than would generally be expected for pathogenic variants in this gene. Analysis of this variant using bioinformatics tools for the prediction of the effect of amino acid changes on protein structure and function yielded predictions that this variant is damaging. Based on the available information, we are unable to determine the clinical significance of this variant.

All of Us Research Program, National Institutes of Health
Classification: Uncertain significance for Classic or attenuated familial adenomatous polyposis. Last evaluated: 2024-09-27. Review status: criteria provided, single submitter. Criteria: ACMG Guidelines, 2015. Collection method: clinical testing. Allele origin: germline. Inheritance: Autosomal dominant inheritance. Observed: 22 variant alleles, 22 heterozygotes.
Comment: This missense variant replaces proline with leucine at codon 1960 of the APC protein. Computational prediction suggests that this variant may have deleterious impact on protein structure and function (internally defined REVEL score threshold >= 0.7, PMID: 27666373). To our knowledge, functional studies have not been reported for this variant. This variant has been reported in individuals affected with colorectal cancer in the literature (PMID: 27978560, 28135145). This variant has been identified in 10/282224 chromosomes in the general population by the Genome Aggregation Database (gnomAD). The available evidence is insufficient to determine the role of this variant in disease conclusively. Therefore, this variant is classified as a Variant of Uncertain Significance.

This study involves interpretation of variants in research participants for the purpose of population health screening. Participant phenotype was not available at the time of variant classification. Additional details can be found in publication PMID: 35346344, PMCID: PMC8962531

Color Diagnostics, LLC DBA Color Health
Classification: Uncertain significance for Hereditary cancer-predisposing syndrome. Last evaluated: 2024-03-28. Review status: criteria provided, single submitter. Criteria: ACMG Guidelines, 2015. Collection method: clinical testing. Allele origin: germline.
Comment: This missense variant replaces proline with leucine at codon 1960 of the APC protein. Computational prediction suggests that this variant may have deleterious impact on protein structure and function (internally defined REVEL score threshold >= 0.7, PMID: 27666373). To our knowledge, functional studies have not been reported for this variant. This variant has been reported in individuals affected with colorectal cancer (PMID: 27978560, 28135145). This variant has been identified in 10/282224 chromosomes in the general population by the Genome Aggregation Database (gnomAD). The available evidence is insufficient to determine the role of this variant in disease conclusively. Therefore, this variant is classified as a Variant of Uncertain Significance.

Baylor Genetics
Classification: Uncertain significance for Familial adenomatous polyposis 1. Last evaluated: 2023-10-03. Review status: criteria provided, single submitter. Criteria: ACMG Guidelines, 2015. Collection method: clinical testing. Allele origin: unknown.

GeneDx
Classification: Uncertain significance. Last evaluated: 2023-09-11. Review status: criteria provided, single submitter. Criteria: GeneDx Variant Classification Process June 2021. Collection method: clinical testing. Allele origin: germline. Affected: yes.
Comment: In silico analysis supports that this missense variant has a deleterious effect on protein structure/function; This variant is associated with the following publications: (PMID: 26927868, 27978560, 28135145, 18199528)

CeGaT Center for Human Genetics Tuebingen
Classification: Uncertain significance. Last evaluated: 2023-06-01. Review status: criteria provided, single submitter. Criteria: CeGaT Center For Human Genetics Tuebingen Variant Classification Criteria Version 2. Collection method: clinical testing. Allele origin: germline. Affected: yes. Observed: 2 variant alleles.
Comment: APC: PM2

Myriad Genetics, Inc.
Classification: Uncertain significance for Familial adenomatous polyposis 1. Last evaluated: 2023-02-23. Review status: criteria provided, single submitter. Criteria: Myriad Autosomal Dominant, Autosomal Recessive and X-Linked Classification Criteria (2023). Collection method: clinical testing. Allele origin: unknown.
Comment: This variant is classified as a variant of uncertain significance as there is insufficient evidence to determine its impact on protein function and/or cancer risk.

Ambry Genetics
Classification: Likely benign for Hereditary cancer-predisposing syndrome. Last evaluated: 2021-01-22. Review status: criteria provided, single submitter. Criteria: Ambry Variant Classification Scheme 2023. Collection method: clinical testing. Allele origin: germline.

Mendelics
Classification: Uncertain significance for Familial adenomatous polyposis 1. Last evaluated: 2019-05-28. Review status: criteria provided, single submitter. Criteria: Mendelics Assertion Criteria 2017. Collection method: clinical testing. Allele origin: unknown.

Illumina Laboratory Services, Illumina
Classification: Uncertain significance for APC-Associated Polyposis Disorders. Last evaluated: 2017-05-06. Review status: criteria provided, single submitter. Criteria: ICSL Variant Classification Criteria 13 December 2019. Collection method: clinical testing. Allele origin: germline.
Comment: This variant was observed as part of a predisposition screen in an ostensibly healthy population. A literature search was performed for the gene, cDNA change, and amino acid change (where applicable). Publications were found based on this search. However, the evidence from the literature, in combination with allele frequency data from public databases where available, was not sufficient to rule this variant in or out of causing disease. Therefore, this variant is classified as a variant of unknown significance.

Counsyl
Classification: Uncertain significance for Familial adenomatous polyposis 1. Last evaluated: 2016-08-30. Review status: no assertion criteria provided. Collection method: clinical testing. Allele origin: unknown. Not counted in ClinVar's aggregate classification.

Department of Pathology and Laboratory Medicine, Sinai Health System
Classification: Uncertain significance. Review status: no assertion criteria provided. Collection method: clinical testing. Allele origin: unknown. Affected: yes. Study: The Canadian Open Genetics Repository (COGR). Not counted in ClinVar's aggregate classification.
Comment: The APC p.Pro1970Leu variant was identified in 2 of 1958 proband chromosomes (frequency: 0.001) from individuals with colorectal cancer and was a classified as a VUS by these studies (Pearlman_2017_PMID 27978560; Yurgelun_2017_PMID 28135145). The variant was also identified in dbSNP (ID: rs587781546), ClinVar (classified as a VUS by Ambry Genetics and Counsyl for Familial adenomatous polyposis 1 and Hereditary cancer-predisposing syndrome), LOVD 3.0 (classified as a VUS) and UMD-LSDB but was not identified in Cosmic. The variant was also identified in control databases in 10 of 282224 chromosomes at a frequency of 0.000035 (Genome Aggregation Database Feb 27, 2017). The variant was observed in the following populations: Other in 1 of 7200 chromosomes (freq: 0.000139) and European (non-Finnish) in 9 of 128708 chromosomes (freq: 0.00007), while the variant was not observed in the African, Latino, Ashkenazi Jewish, East Asian, European (Finnish), and South Asian populations. The p.Pro1970 residue is conserved across mammals and other organisms, and four out of five computational analyses (PolyPhen-2, SIFT, BLOSUM, MutationTaster) suggest that the variant may impact the protein; however, this information is not predictive enough to assume pathogenicity. The variant occurs outside of the splicing consensus sequence and in silico or computational prediction software programs (SpliceSiteFinder, MaxEntScan, NNSPLICE, GeneSplicer) do not predict a difference in splicing. In summary, based on the above information the clinical significance of this variant cannot be determined with certainty at this time. This variant is classified as a variant of uncertain significance.

Literature cited by the submitters: PubMed 27978560 (cited by 6 submitters); PubMed 28135145 (cited by 5 submitters).

NM_000038.6(APC):c.5879C>T (p.Pro1960Leu)

Gene: APC (APC regulator of Wnt signaling pathway; plus strand). Cytogenetic location: 5q22.2.
Variant type: single nucleotide variant.
Coding change: c.5879C>T on transcript NM_000038.6 (MANE Select); coding-DNA position 5879, C replaced by T.
Protein change: p.Pro1960Leu; replaces proline 1960 with leucine.
Molecular consequence: missense variant.
Genome position (GRCh38, 1-based): chr5:112,841,473, C>T. VCF-style: chr5-112841473-C-T. GRCh37 (hg19) VCF-style: chr5-112177170-C-T.
Other names: c.5879C>T, p.Pro1960Leu (NM_001127510.3, NM_001354895.2); c.5825C>T, p.Pro1942Leu (NM_001127511.3); c.5933C>T, p.Pro1978Leu (NM_001354896.2); c.5909C>T, p.Pro1970Leu (NM_001354897.2); c.5804C>T, p.Pro1935Leu (NM_001354898.2); c.5795C>T, p.Pro1932Leu (NM_001354899.2); c.5756C>T, p.Pro1919Leu (NM_001354900.2); c.5702C>T, p.Pro1901Leu (NM_001354901.2); and 5 more; short protein forms P1942L, P1960L, P1677L, P1800L, P1834L, P1970L, P1978L, P1859L.
Identifiers: ClinVar variation 141168 (VCV000141168.57), dbSNP rs587781546, ClinGen allele CA010760.
Genomic context (GRCh38, chr5:112,841,473, plus strand): 5'-TACCAGACAGAGGGGCAGCAACTGATGAAAAGTTACAGAATTTTGCTATTGAAAATACTC[C>T]GGTTTGCTTTTCTCATAATTCCTCTCTGAGTTCTCTCAGTGACATTGACCAAGAAAACAA-3'
Protein context (NP_000029.2, residues 1950-1970): KLQNFAIENT[Pro1960Leu]VCFSHNSSLS